The following is an entry in ClinVar:

ClinVar aggregate classification (germline): Likely benign (0 of 4 stars; one submission).

Conditions:
MN1-related disorder. Also called: MN1-related condition.

gnomAD v4.1: 44 of 1,612,310 alleles (0.0027%); highest among the groups gnomAD compares: South Asian, 0.047%; no homozygotes.

Submission:

PreventionGenetics, part of Exact Sciences
Classification: Likely benign for MN1-related condition. Last evaluated: 2024-09-16. Review status: no assertion criteria provided. Collection method: clinical testing. Allele origin: germline.
Comment: This variant is classified as likely benign based on ACMG/AMP sequence variant interpretation guidelines (Richards et al. 2015 PMID: 25741868, with internal and published modifications).

NM_002430.3(MN1):c.3588C>G (p.Asp1196Glu)

Gene: MN1 (MN1 proto-oncogene, transcriptional regulator; minus strand). Cytogenetic location: 22q12.1.
Variant type: single nucleotide variant.
Coding change: c.3588C>G on transcript NM_002430.3 (MANE Select); coding-DNA position 3588, C replaced by G.
Protein change: p.Asp1196Glu; replaces aspartic acid 1196 with glutamic acid.
Molecular consequence: missense variant.
Genome position (GRCh38, 1-based): chr22:27,796,956, G>C on the plus strand (C>G on the coding strand, the complement: MN1 is on the minus strand). VCF-style: chr22-27796956-G-C. GRCh37 (hg19) VCF-style: chr22-28192944-G-C.
Other names: short protein forms D1196E.
Identifiers: ClinVar variation 3357365 (VCV003357365.1).